The following is an entry in ClinVar:

ClinVar aggregate classification (germline): Uncertain significance (1 of 4 stars; one submission).

Conditions:
Joubert syndrome 18 (JBTS18). Identifiers: Orphanet 2754, MedGen C3553758, MONDO:0013896, OMIM 614815.
Orofacial-digital syndrome IV (OFD4). Also called: Orofaciodigital syndrome IV; BARAITSER-BURN SYNDROME; MOHR-MAJEWSKI SYNDROME; OFD SYNDROME WITH TIBIAL DEFECTS; OFD SYNDROME, BARAITSER-BURN TYPE; OFDS IV. Identifiers: Orphanet 2753, MedGen C0406727, MONDO:0009794, OMIM 258860.

Submission:

Labcorp Genetics (formerly Invitae), Labcorp
Classification: Uncertain significance for Joubert syndrome 18; Orofacial-digital syndrome IV. Last evaluated: 2023-08-04. Review status: criteria provided, single submitter. Criteria: Invitae Variant Classification Sherloc (09022015). Collection method: clinical testing. Allele origin: germline.
Comment: An algorithm developed to predict the effect of missense changes on protein structure and function (PolyPhen-2) suggests that this variant is likely to be tolerated. Variants that disrupt the consensus splice site are a relatively common cause of aberrant splicing (PMID: 17576681, 9536098). Algorithms developed to predict the effect of sequence changes on RNA splicing suggest that this variant may disrupt the consensus splice site. In summary, the available evidence is currently insufficient to determine the role of this variant in disease. Therefore, it has been classified as a Variant of Uncertain Significance. ClinVar contains an entry for this variant (Variation ID: 1461262). This sequence change replaces arginine, which is basic and polar, with threonine, which is neutral and polar, at codon 433 of the TCTN3 protein (p.Arg433Thr). This variant also falls at the last nucleotide of exon 11, which is part of the consensus splice site for this exon. This variant is not present in population databases (gnomAD no frequency). This variant has not been reported in the literature in individuals affected with TCTN3-related conditions.

Literature cited by the submitters: PubMed 17576681; PubMed 9536098.

NM_015631.6(TCTN3):c.1298G>C (p.Arg433Thr)

Gene: TCTN3 (tectonic family member 3; minus strand). Cytogenetic location: 10q24.1.
Variant type: single nucleotide variant.
Coding change: c.1298G>C on transcript NM_015631.6 (MANE Select); coding-DNA position 1298, G replaced by C.
Protein change: p.Arg433Thr; replaces arginine 433 with threonine.
Molecular consequence: missense variant.
Genome position (GRCh38, 1-based): chr10:95,683,101, C>G on the plus strand (G>C on the coding strand, the complement: TCTN3 is on the minus strand). VCF-style: chr10-95683101-C-G. GRCh37 (hg19) VCF-style: chr10-97442858-C-G.
Other names: c.854G>C, p.Arg285Thr (NM_001143973.2); short protein forms R285T, R433T.
Identifiers: ClinVar variation 1461262 (VCV001461262.8), dbSNP rs2139738242, ClinGen allele CA377703162.